The following is an entry in ClinVar:

ClinVar aggregate classification (germline): Uncertain significance (1 of 4 stars; one submission).

Conditions:
Arrhythmogenic right ventricular dysplasia 10. Also called: Arrhythmogenic Right Ventricular Dysplasia/Cardiomyopathy10; ARRHYTHMOGENIC RIGHT VENTRICULAR DYSPLASIA, FAMILIAL, 10; Arrhythmogenic right ventricular dysplasia/cardiomyopathy, type 10. Identifiers: MedGen C1857777, MONDO:0012434, OMIM 610193.

Allele frequency attached by ClinVar (database versions not stated): TOPMed below 0.00001.
gnomAD v4.1: 2 of 1,611,922 alleles (0.00012%); highest among the groups gnomAD compares: Admixed American, 0.0017%; no homozygotes.

Submission:

Labcorp Genetics (formerly Invitae), Labcorp
Classification: Uncertain significance for Arrhythmogenic right ventricular dysplasia 10. Last evaluated: 2023-11-17. Review status: criteria provided, single submitter. Criteria: Invitae Variant Classification Sherloc (09022015). Collection method: clinical testing. Allele origin: germline.
Comment: This sequence change replaces valine, which is neutral and non-polar, with isoleucine, which is neutral and non-polar, at codon 165 of the DSG2 protein (p.Val165Ile). This variant is present in population databases (no rsID available, gnomAD 0.003%). This variant has not been reported in the literature in individuals affected with DSG2-related conditions. Advanced modeling of protein sequence and biophysical properties (such as structural, functional, and spatial information, amino acid conservation, physicochemical variation, residue mobility, and thermodynamic stability) performed at Invitae indicates that this missense variant is not expected to disrupt DSG2 protein function with a negative predictive value of 95%. In summary, the available evidence is currently insufficient to determine the role of this variant in disease. Therefore, it has been classified as a Variant of Uncertain Significance.

NM_001943.5(DSG2):c.493G>A (p.Val165Ile)

Gene: DSG2 (desmoglein 2; plus strand). Cytogenetic location: 18q12.1.
Variant type: single nucleotide variant.
Coding change: c.493G>A on transcript NM_001943.5 (MANE Select); coding-DNA position 493, G replaced by A.
Protein change: p.Val165Ile; replaces valine 165 with isoleucine.
Molecular consequence: missense variant.
Genome position (GRCh38, 1-based): chr18:31,521,213, G>A. VCF-style: chr18-31521213-G-A. GRCh37 (hg19) VCF-style: chr18-29101176-G-A.
Other names: short protein forms V165I.
Identifiers: ClinVar variation 2959116 (VCV002959116.3), dbSNP rs780081154, ClinGen allele CA402132382.